The following is an entry in ClinVar:

ClinVar aggregate classification (germline): Uncertain significance (1 of 4 stars; one submission).

Conditions:
Familial adenomatous polyposis 1 (FAP1). Also called: FAMILIAL ADENOMATOUS POLYPOSIS 1, ATTENUATED; POLYPOSIS, ADENOMATOUS INTESTINAL. Identifiers: MedGen C2713442, MONDO:0021056, OMIM 175100. Disease mechanism: loss of function.

Submission:

Labcorp Genetics (formerly Invitae), Labcorp
Classification: Uncertain significance for Familial adenomatous polyposis 1. Last evaluated: 2021-05-25. Review status: criteria provided, single submitter. Criteria: Invitae Variant Classification Sherloc (09022015). Collection method: clinical testing. Allele origin: germline.
Comment: In summary, the available evidence is currently insufficient to determine the role of this variant in disease. Therefore, it has been classified as a Variant of Uncertain Significance. Algorithms developed to predict the effect of missense changes on protein structure and function (SIFT, PolyPhen-2, Align-GVGD) all suggest that this variant is likely to be disruptive, but these predictions have not been confirmed by published functional studies and their clinical significance is uncertain. This variant has not been reported in the literature in individuals with APC-related conditions. This variant is not present in population databases (ExAC no frequency). This sequence change replaces serine with arginine at codon 2449 of the APC protein (p.Ser2449Arg). The serine residue is highly conserved and there is a moderate physicochemical difference between serine and arginine.

NM_000038.6(APC):c.7347C>G (p.Ser2449Arg)

Gene: APC (APC regulator of Wnt signaling pathway; plus strand). Cytogenetic location: 5q22.2.
Variant type: single nucleotide variant.
Coding change: c.7347C>G on transcript NM_000038.6 (MANE Select); coding-DNA position 7347, C replaced by G.
Protein change: p.Ser2449Arg; replaces serine 2449 with arginine.
Molecular consequence: missense variant.
Genome position (GRCh38, 1-based): chr5:112,842,941, C>G. VCF-style: chr5-112842941-C-G. GRCh37 (hg19) VCF-style: chr5-112178638-C-G.
Other names: c.7347C>G, p.Ser2449Arg (NM_001127510.3, NM_001354895.2); c.7293C>G, p.Ser2431Arg (NM_001127511.3); c.7401C>G, p.Ser2467Arg (NM_001354896.2); c.7377C>G, p.Ser2459Arg (NM_001354897.2); c.7272C>G, p.Ser2424Arg (NM_001354898.2); c.7263C>G, p.Ser2421Arg (NM_001354899.2); c.7224C>G, p.Ser2408Arg (NM_001354900.2); c.7170C>G, p.Ser2390Arg (NM_001354901.2); and 5 more; short protein forms S2289R, S2390R, S2424R, S2467R, S2408R, S2421R, S2449R, S2323R.
Identifiers: ClinVar variation 1356107 (VCV001356107.8), dbSNP rs2149985043, ClinGen allele CA16037332.